The following is an entry in ClinVar:

ClinVar aggregate classification (germline): Pathogenic (1 of 4 stars; one submission).

Conditions:
DICER1-related disorder. Also called: DICER1-related condition.

Submission:

PreventionGenetics, part of Exact Sciences
Classification: Pathogenic for DICER1-related condition. Last evaluated: 2026-01-20. Review status: criteria provided, single submitter. Criteria: ACMG Guidelines, 2015. Collection method: clinical testing. Allele origin: germline.
Comment: The DICER1 c.4081A>T variant is predicted to result in premature protein termination (p.Lys1361*). To our knowledge, this variant has not been reported in the literature or in a large population database (gnomAD), indicating this variant is rare. Nonsense variants in DICER1 are expected to be pathogenic. This variant is interpreted as pathogenic.

NM_177438.3(DICER1):c.4081A>T (p.Lys1361Ter)

Gene: DICER1 (dicer 1, ribonuclease III; minus strand). Cytogenetic location: 14q32.13.
Variant type: single nucleotide variant.
Coding change: c.4081A>T on transcript NM_177438.3 (MANE Select); coding-DNA position 4081, A replaced by T.
Protein change: p.Lys1361Ter; replaces lysine 1361 with a stop codon.
Molecular consequence: nonsense. On other transcripts: non-coding transcript variant (6).
Genome position (GRCh38, 1-based): chr14:95,099,905, T>A on the plus strand (A>T on the coding strand, the complement: DICER1 is on the minus strand). VCF-style: chr14-95099905-T-A. GRCh37 (hg19) VCF-style: chr14-95566242-T-A.
Other names: c.4081A>T, p.Lys1361Ter (NM_001195573.1, NM_001271282.3, NM_001291628.2 and 12 more transcripts); c.3799A>T, p.Lys1267Ter (NM_001395686.1); c.3676A>T, p.Lys1226Ter (NM_001395687.1, NM_001395688.1, NM_001395689.1 and 2 more transcripts); c.3514A>T, p.Lys1172Ter (NM_001395691.1); c.2398A>T, p.Lys800Ter (NM_001395697.1); short protein forms K1267*, K1361*, K1226*, K800*, K1172*.
Identifiers: ClinVar variation 4992489 (VCV004992489.1).
Genomic context (GRCh38, chr14:95,099,905, plus strand): 5'-GCCAATTCACAGGGGGATCAAATATTGACACCACCATGCGGCTGGGTAGTCCCTTCTTTT[T>A]TCCAAGGCGATACAGATTACAGTTGCTGACCTTTAGCAGAAAATATTAGGATACTTATCC-3'